The following is an entry in ClinVar:

ClinVar aggregate classification (germline): Likely benign (0 of 4 stars; one submission).

Conditions:
SYK-related disorder. Also called: SYK-related condition.

Allele frequency attached by ClinVar (database versions not stated): ExAC 0.00001; gnomAD exomes 0.00001.
gnomAD v4.1: 8 of 1,613,584 alleles (0.0005%); highest among the groups gnomAD compares: South Asian, 0.0088%; no homozygotes.

Submission:

PreventionGenetics, part of Exact Sciences
Classification: Likely benign for SYK-related condition. Last evaluated: 2022-11-23. Review status: no assertion criteria provided. Collection method: clinical testing. Allele origin: germline.
Comment: This variant is classified as likely benign based on ACMG/AMP sequence variant interpretation guidelines (Richards et al. 2015 PMID: 25741868, with internal and published modifications).

NM_003177.7(SYK):c.711C>T (p.Leu237=)

Gene: SYK (spleen associated tyrosine kinase; plus strand). Cytogenetic location: 9q22.2.
Variant type: single nucleotide variant.
Coding change: c.711C>T on transcript NM_003177.7 (MANE Select); coding-DNA position 711, C replaced by T.
Protein change: p.Leu237=; no amino-acid change (leucine 237 retained).
Molecular consequence: synonymous variant.
Genome position (GRCh38, 1-based): chr9:90,862,338, C>T. VCF-style: chr9-90862338-C-T. GRCh37 (hg19) VCF-style: chr9-93624620-C-T.
Other names: c.711C>T, p.Leu237= (NM_001135052.4, NM_001174167.3, NM_001174168.3).
Identifiers: ClinVar variation 3053962 (VCV003053962.2), dbSNP rs772672206, ClinGen allele CA5119267.